The following is an entry in ClinVar:

ClinVar aggregate classification (germline): Pathogenic. Review status: criteria provided, single submitter (1 of 4 stars). 2 submissions from 2 submitters: Pathogenic (1). 1 of the submissions does not count toward it. Last evaluated 2023-05-29.

Conditions:
Ocular cystinosis. Also called: Non-Nephropathic Cystinosis; Non-Nephropathic (Ocular) Cystinosis. Identifiers: Orphanet 213, Orphanet 411641, MedGen C2931013, MONDO:0009064, OMIM 219750.
Juvenile nephropathic cystinosis. Also called: Intermediate Cystinosis; CYSTINOSIS, LATE-ONSET JUVENILE OR ADOLESCENT NEPHROPATHIC TYPE; Later-Onset (Juvenile) Cystinosis. Identifiers: Orphanet 213, Orphanet 411634, MedGen C0268626, MONDO:0009066, OMIM 219900.
Inborn genetic diseases. Identifiers: MedGen C0950123, MeSH D030342.
Nephropathic cystinosis (CTNS). Also called: Abderhalden Lignac Kaufmann disease; Abderhalden-Kaufmann-Lignac syndrome; CYSTINOSIN, DEFECT OF; LYSOSOMAL CYSTINE TRANSPORT PROTEIN, DEFECT OF. Identifiers: Orphanet 213, Orphanet 411629, MedGen C2931187, MONDO:0100151, OMIM 219800.

Submissions (2):

Labcorp Genetics (formerly Invitae), Labcorp
Classification: Pathogenic for Inborn genetic diseases; Ocular cystinosis; Juvenile nephropathic cystinosis. Last evaluated: 2023-05-29. Review status: criteria provided, single submitter. Criteria: Invitae Variant Classification Sherloc (09022015). Collection method: clinical testing. Allele origin: germline.
Comment: Studies have shown that disruption of this splice site results in skipping of exons 4 and/or 5 and introduces a premature termination codon (PMID: 12442267). The resulting mRNA is expected to undergo nonsense-mediated decay. For these reasons, this variant has been classified as Pathogenic. ClinVar contains an entry for this variant (Variation ID: 557204). Disruption of this splice site has been observed in individual(s) with cystinosis (PMID: 12442267). In at least one individual the data is consistent with being in trans (on the opposite chromosome) from a pathogenic variant. This variant is not present in population databases (gnomAD no frequency). This sequence change affects a donor splice site in intron 5 of the CTNS gene. RNA analysis indicates that disruption of this splice site induces altered splicing and may result in an absent or disrupted protein product.

Counsyl
Classification: Likely pathogenic for Nephropathic cystinosis. Last evaluated: 2018-03-12. Review status: no assertion criteria provided. Collection method: clinical testing. Allele origin: unknown. Not counted in ClinVar's aggregate classification.

Literature cited by the submitters: PubMed 12442267 (cited by Labcorp Genetics (formerly Invitae), Labcorp and Counsyl).

NM_004937.3(CTNS):c.225+1G>A

Gene: CTNS (cystinosin, lysosomal cystine transporter; plus strand). Cytogenetic location: 17p13.2.
Variant type: single nucleotide variant.
Coding change: c.225+1G>A on transcript NM_004937.3 (MANE Select); the canonical splice donor site of the intron after coding-DNA position 225, G replaced by A.
Molecular consequence: splice donor variant. On other transcripts: intron variant (3).
Genome position (GRCh38, 1-based): chr17:3,648,932, G>A. VCF-style: chr17-3648932-G-A. GRCh37 (hg19) VCF-style: chr17-3552226-G-A.
Other names: c.225+1G>A (NM_001031681.3, NM_001374492.1); c.-217+1410G>A (NM_001374493.1, NM_001374496.1); c.-216-6066G>A (NM_001374495.1); c.-217+1G>A (NM_001374494.1).
Identifiers: ClinVar variation 557204 (VCV000557204.12), dbSNP rs1555561049, ClinGen allele CA397688324.